The following is an entry in ClinVar:

ClinVar aggregate classification (germline): Uncertain significance (1 of 4 stars; one submission).

Conditions:
Autosomal dominant limb-girdle muscular dystrophy type 1D (DNAJB6) (LGMDD1). Also called: MUSCULAR DYSTROPHY, LIMB-GIRDLE, TYPE 1D; MUSCULAR DYSTROPHY, AUTOSOMAL DOMINANT, WITH RIMMED VACUOLES; Autosomal dominant limb-girdle muscular dystrophy type 1D; Muscular dystrophy, limb-girdle, autosomal dominant 1. Identifiers: Orphanet 34516, MedGen C4721885, MONDO:0021018, OMIM 603511.

Submission:

Labcorp Genetics (formerly Invitae), Labcorp
Classification: Uncertain significance for Autosomal dominant limb-girdle muscular dystrophy type 1D (DNAJB6). Last evaluated: 2025-10-12. Review status: criteria provided, single submitter. Criteria: Invitae Variant Classification Sherloc (09022015). Collection method: clinical testing. Allele origin: germline.
Comment: This sequence change creates a premature translational stop signal (p.Asn38Lysfs*11) in the DNAJB6 gene. It is expected to result in an absent or disrupted protein product. However, the current clinical and genetic evidence is not sufficient to establish whether loss-of-function variants in DNAJB6 cause disease. This variant is not present in population databases (gnomAD no frequency). This variant has not been reported in the literature in individuals affected with DNAJB6-related conditions. In summary, the available evidence is currently insufficient to determine the role of this variant in disease. Therefore, it has been classified as a Variant of Uncertain Significance.

NM_058246.4(DNAJB6):c.114_117del (p.Asn38fs)

Gene: DNAJB6 (DnaJ heat shock protein family (Hsp40) member B6; plus strand). Cytogenetic location: 7q36.3.
Variant type: Deletion.
Coding change: c.114_117del on transcript NM_058246.4 (MANE Select); coding-DNA positions 114 to 117, 4 bases deleted (TAAA; older notation c.114_117delTAAA).
Protein change: p.Asn38fs; shifts the reading frame from asparagine 38.
Molecular consequence: frameshift variant.
Genome position (GRCh38, 1-based): chr7:157,363,209-157,363,212, TAAA deleted; deleting any 4 consecutive bases within chr7:157,363,207-157,363,212 gives the same sequence; the c. name uses the placement nearest the transcript's 3' end. VCF-style (leftmost placement, unchanged base first): chr7-157363206-GAATA-G. GRCh37 (hg19) VCF-style: chr7-157155900-GAATA-G.
Other names: c.114_117del, p.Asn38fs (NM_001363676.1, NM_005494.3); short protein forms N38fs.
Identifiers: ClinVar variation 4729064 (VCV004729064.1).